The following is an entry in ClinVar:

NM_005902.4(SMAD3):c.974dup (p.Trp326fs)

Gene: SMAD3 (SMAD family member 3; plus strand). Cytogenetic location: 15q22.33.
Variant type: Duplication.
Coding change: c.974dup on transcript NM_005902.4 (MANE Select); coding-DNA position 974, one base duplicated (G; older notation c.974dupG).
Protein change: p.Trp326fs; shifts the reading frame from tryptophan 326.
Molecular consequence: frameshift variant. On other transcripts: intron variant (1).
Genome position (GRCh38, 1-based): chr15:67,184,829, G duplicated; the last of 2 consecutive G bases (chr15:67,184,828-67,184,829); duplicating either gives the same sequence. VCF-style (leftmost placement, unchanged base first): chr15-67184827-T-TG. GRCh37 (hg19) VCF-style: chr15-67477165-T-TG.
Other names: c.659dup, p.Trp221fs (NM_001145102.2, NM_001407016.1); c.842dup, p.Trp282fs (NM_001145103.2, NM_001407012.1); c.389dup, p.Trp131fs (NM_001145104.2, NM_001407017.1); c.974dup, p.Trp326fs (NM_001407011.1); c.827dup, p.Trp277fs (NM_001407014.1); c.527dup, p.Trp177fs (NM_001407015.1); c.872-2536dup (NM_001407013.1); short protein forms W177fs, W277fs, W221fs, W326fs, W131fs, W282fs.
Identifiers: ClinVar variation 2706659 (VCV002706659.3), dbSNP rs2505300697, ClinGen allele CA2697549154.

ClinVar aggregate classification (germline): Pathogenic (1 of 4 stars; one submission).

Conditions:
Familial thoracic aortic aneurysm and aortic dissection (TAAD). Also called: Thoracic aortic aneurysms and dissections. Identifiers: Orphanet 91387, MedGen C4707243, MONDO:0019625.

Submission:

Labcorp Genetics (formerly Invitae), Labcorp
Classification: Pathogenic for Familial thoracic aortic aneurysm and aortic dissection. Last evaluated: 2023-12-30. Review status: criteria provided, single submitter. Criteria: Invitae Variant Classification Sherloc (09022015). Collection method: clinical testing. Allele origin: germline.
Comment: This sequence change creates a premature translational stop signal (p.Trp326Leufs*36) in the SMAD3 gene. It is expected to result in an absent or disrupted protein product. Loss-of-function variants in SMAD3 are known to be pathogenic (PMID: 21778426, 24804794). This variant is not present in population databases (gnomAD no frequency). This variant has not been reported in the literature in individuals affected with SMAD3-related conditions. For these reasons, this variant has been classified as Pathogenic.

Literature cited by the submitters: PubMed 21778426; PubMed 24804794.